The following is an entry in ClinVar:

ClinVar aggregate classification (germline): Uncertain significance. Review status: criteria provided, multiple submitters, no conflicts (2 of 4 stars). 2 submissions from 2 submitters: Uncertain significance (2). Last evaluated 2025-08-05.

Conditions:
Familial thoracic aortic aneurysm and aortic dissection (TAAD). Also called: Thoracic aortic aneurysms and dissections. Identifiers: Orphanet 91387, MedGen C4707243, MONDO:0019625.

Submissions (2):

GeneDx
Classification: Uncertain significance. Last evaluated: 2025-08-05. Review status: criteria provided, single submitter. Criteria: GeneDx Variant Classification Process June 2021. Collection method: clinical testing. Allele origin: germline.
Comment: Has not been previously published as pathogenic or benign to our knowledge; Not observed at significant frequency in large population cohorts (gnomAD); In silico analysis supports that this missense variant has a deleterious effect on protein structure/function

Labcorp Genetics (formerly Invitae), Labcorp
Classification: Uncertain significance for Familial thoracic aortic aneurysm and aortic dissection. Last evaluated: 2022-11-06. Review status: criteria provided, single submitter. Criteria: Invitae Variant Classification Sherloc (09022015). Collection method: clinical testing. Allele origin: germline.
Comment: In summary, the available evidence is currently insufficient to determine the role of this variant in disease. Therefore, it has been classified as a Variant of Uncertain Significance. Advanced modeling of protein sequence and biophysical properties (such as structural, functional, and spatial information, amino acid conservation, physicochemical variation, residue mobility, and thermodynamic stability) performed at Invitae indicates that this missense variant is expected to disrupt SMAD3 protein function. This variant has not been reported in the literature in individuals affected with SMAD3-related conditions. This variant is not present in population databases (gnomAD no frequency). This sequence change replaces arginine, which is basic and polar, with proline, which is neutral and non-polar, at codon 14 of the SMAD3 protein (p.Arg14Pro).

NM_005902.4(SMAD3):c.41G>C (p.Arg14Pro)

Genes: SMAD3 (SMAD family member 3; plus strand), LOC130057352 (ATAC-STARR-seq lymphoblastoid silent region 6574; plus strand). Cytogenetic location: 15q22.33.
Variant type: single nucleotide variant.
Coding change: c.41G>C on transcript NM_005902.4 (MANE Select); coding-DNA position 41, G replaced by C.
Protein change: p.Arg14Pro; replaces arginine 14 with proline.
Molecular consequence: missense variant.
Genome position (GRCh38, 1-based): chr15:67,066,195, G>C. VCF-style: chr15-67066195-G-C. GRCh37 (hg19) VCF-style: chr15-67358533-G-C.
Other names: c.41G>C (NM_005902.3); c.41G>C, p.Arg14Pro (NM_001407011.1, NM_001407012.1, NM_001407013.1); short protein forms R14P.
Identifiers: ClinVar variation 3016331 (VCV003016331.5), dbSNP rs1321080616, ClinGen allele CA393202750.
Genomic context (GRCh38, chr15:67,066,195, plus strand): 5'-CCCGCGCGCCCTCCCCAGCCATGTCGTCCATCCTGCCTTTCACTCCCCCGATCGTGAAGC[G>C]CCTGCTGGGCTGGAAGAAGGGCGAGCAGAACGGGCAGGAGGAGAAATGGTGCGAGAAGGC-3'
Protein context (NP_005893.1, residues 4-24): ILPFTPPIVK[Arg14Pro]LLGWKKGEQN